The following is an entry in ClinVar:

NM_000135.4(FANCA):c.3639T>C (p.Pro1213=)

Gene: FANCA (FA complementation group A; minus strand). Cytogenetic location: 16q24.3.
Variant type: single nucleotide variant.
Coding change: c.3639T>C on transcript NM_000135.4 (MANE Select); coding-DNA position 3639, T replaced by C.
Protein change: p.Pro1213=; no amino-acid change (proline 1213 retained).
Molecular consequence: synonymous variant.
Genome position (GRCh38, 1-based): chr16:89,742,926, A>G on the plus strand (T>C on the coding strand, the complement: FANCA is on the minus strand). VCF-style: chr16-89742926-A-G. GRCh37 (hg19) VCF-style: chr16-89809334-A-G.
Other names: c.3639T>C, p.Pro1213= (NM_001286167.3).
Identifiers: ClinVar variation 1136746 (VCV001136746.11), dbSNP rs1567598479, ClinGen allele CA497195052.

ClinVar aggregate classification (germline): Conflicting classifications of pathogenicity. Review status: criteria provided, conflicting classifications (1 of 4 stars). 3 submissions from 3 submitters: Uncertain significance (1); Likely benign (2). Last evaluated 2025-09-09.

Conditions:
Fanconi anemia (FA). Also called: Fanconi's anemia. Identifiers: Orphanet 84, MedGen C0015625, MeSH D005199, MONDO:0019391.
Inborn genetic diseases. Identifiers: MedGen C0950123, MeSH D030342.

Allele frequency attached by ClinVar (database versions not stated): gnomAD exomes below 0.00001.

Submissions (3):

Labcorp Genetics (formerly Invitae), Labcorp
Classification: Likely benign for Fanconi anemia. Last evaluated: 2025-09-09. Review status: criteria provided, single submitter. Criteria: Invitae Variant Classification Sherloc (09022015). Collection method: clinical testing. Allele origin: germline.

Ambry Genetics
Classification: Likely benign for Inborn genetic diseases. Last evaluated: 2025-03-02. Review status: criteria provided, single submitter. Criteria: Ambry Variant Classification Scheme 2023. Collection method: clinical testing. Allele origin: germline.

Sema4
Classification: Uncertain significance for Fanconi anemia. Last evaluated: 2021-11-02. Review status: criteria provided, single submitter. Criteria: Sema4 Curation Guidelines. Collection method: curation. Allele origin: germline.
Comment: The FANCA c.3639T>C (p.P1213=) variant has not been reported in the literature to our knowledge. It was observed in 1/251326 chromosomes in the large and broad cohorts of the Genome Aggregation Database (PMID: 32461654). The variant has been reported in ClinVar (Variation ID 1136746). In silico tools suggest that the variant may strengthen a cryptic splice site, though these predictions have not been confirmed by functional studies. The evidence is insufficient to meet ACMG/AMP criteria for classifying the variant as benign or pathogenic. Thus, the clinical significance of this variant is currently uncertain.